The following is an entry in ClinVar:

NM_003060.4(SLC22A5):c.202C>T (p.Pro68Ser)

Gene: SLC22A5 (solute carrier family 22 member 5; plus strand). Cytogenetic location: 5q31.1.
Variant type: single nucleotide variant.
Coding change: c.202C>T on transcript NM_003060.4 (MANE Select); coding-DNA position 202, C replaced by T.
Protein change: p.Pro68Ser; replaces proline 68 with serine.
Molecular consequence: missense variant.
Genome position (GRCh38, 1-based): chr5:132,370,174, C>T. VCF-style: chr5-132370174-C-T. GRCh37 (hg19) VCF-style: chr5-131705866-C-T.
Other names: c.202C>T, p.Pro68Ser (NM_001308122.2); short protein forms P68S.
Identifiers: ClinVar variation 418492 (VCV000418492.10), dbSNP rs1045644394, ClinGen allele CA16618115.

ClinVar aggregate classification (germline): Conflicting classifications of pathogenicity. Review status: criteria provided, conflicting classifications (1 of 4 stars). 3 submissions from 3 submitters: Likely pathogenic (1); Uncertain significance (2). Last evaluated 2022-03-19.

Conditions:
Renal carnitine transport defect (CDSP). Also called: Primary carnitine deficiency; Systemic primary carnitine deficiency; Systemic primary carnitine deficiency disease; Carnitine transporter deficiency; Carnitine Deficiency, Systemic; CARNITINE DEFICIENCY, SYSTEMIC, DUE TO DEFECT IN RENAL REABSORPTION OF CARNITINE. Identifiers: Orphanet 158, MedGen C0342788, MONDO:0008919, OMIM 212140.

Allele frequency attached by ClinVar (database versions not stated): TOPMed below 0.00001; gnomAD 0.00001.

Submissions (3):

Labcorp Genetics (formerly Invitae), Labcorp
Classification: Uncertain significance for Renal carnitine transport defect. Last evaluated: 2022-03-19. Review status: criteria provided, single submitter. Criteria: Invitae Variant Classification Sherloc (09022015). Collection method: clinical testing. Allele origin: germline.
Comment: This sequence change replaces proline, which is neutral and non-polar, with serine, which is neutral and polar, at codon 68 of the SLC22A5 protein (p.Pro68Ser). This variant is not present in population databases (gnomAD no frequency). This variant has not been reported in the literature in individuals affected with SLC22A5-related conditions. ClinVar contains an entry for this variant (Variation ID: 418492). Advanced modeling of protein sequence and biophysical properties (such as structural, functional, and spatial information, amino acid conservation, physicochemical variation, residue mobility, and thermodynamic stability) performed at Invitae indicates that this missense variant is expected to disrupt SLC22A5 protein function. In summary, the available evidence is currently insufficient to determine the role of this variant in disease. Therefore, it has been classified as a Variant of Uncertain Significance.

Genome-Nilou Lab
Classification: Uncertain significance for Renal carnitine transport defect. Last evaluated: 2021-07-15. Review status: criteria provided, single submitter. Criteria: ACMG Guidelines, 2015. Collection method: clinical testing. Allele origin: germline. Affected: no.

GeneDx
Classification: Likely pathogenic. Last evaluated: 2015-02-28. Review status: criteria provided, single submitter. Criteria: GeneDx Variant Classification (06012015). Collection method: clinical testing. Allele origin: germline. Affected: yes.
Comment: A novel P68S variant that is likely pathogenic was identified in the SLC22A5 gene. It has not been published as a pathogenic variant, nor has it been reported as a benign polymorphism to our knowledge. The P68S variant is a non-conservative amino acid substitution, which is likely to impact secondary protein structure as these residues differ in polarity, charge, size and/or other properties. This substitution occurs at a position that is conserved across species, and in silico analysis predicts this variant is probably damaging to the protein structure/function. Therefore, this is a strong candidate for a pathogenic variant, however the possibility that it is a benign variant cannot be excluded.